The following is an entry in ClinVar:

NM_000059.4(BRCA2):c.2362G>C (p.Gly788Arg)

Gene: BRCA2 (BRCA2 DNA repair associated; plus strand). Cytogenetic location: 13q13.1.
Variant type: single nucleotide variant.
Coding change: c.2362G>C on transcript NM_000059.4 (MANE Select); coding-DNA position 2362, G replaced by C.
Protein change: p.Gly788Arg; replaces glycine 788 with arginine.
Molecular consequence: missense variant.
Genome position (GRCh38, 1-based): chr13:32,336,717, G>C. VCF-style: chr13-32336717-G-C. GRCh37 (hg19) VCF-style: chr13-32910854-G-C.
Other names: c.2362G>C, p.Gly788Arg (NM_001406719.1, NM_001406720.1); short protein forms G788R.
Identifiers: ClinVar variation 1790181 (VCV001790181.4), dbSNP rs1060502434, ClinGen allele CA387771708.

ClinVar aggregate classification (germline): Conflicting classifications of pathogenicity. Review status: criteria provided, conflicting classifications (1 of 4 stars). 2 submissions from 2 submitters: Uncertain significance (1); Likely benign (1). Last evaluated 2023-03-23.

Conditions:
Hereditary cancer-predisposing syndrome. Also called: Hereditary Cancer Syndrome; Hereditary neoplastic syndrome; Tumor predisposition; Neoplastic Syndromes, Hereditary. Identifiers: Orphanet 140162, MedGen C0027672, MeSH D009386, MONDO:0015356.

Submissions (2):

University of Washington Department of Laboratory Medicine, University of Washington
Classification: Likely benign for Hereditary cancer-predisposing syndrome. Last evaluated: 2023-03-23. Review status: criteria provided, single submitter. Criteria: Dines et al. (Genet Med. 2020). Collection method: curation. Allele origin: germline.
Comment: Missense variant in a coldspot region where missense variants are very unlikely to be pathogenic (PMID:31911673).

BRCA2 exon 11 coldspot. Reclassification based on statistical prior probability.

Ambry Genetics
Classification: Uncertain significance for Hereditary cancer-predisposing syndrome. Last evaluated: 2020-03-18. Review status: criteria provided, single submitter. Criteria: Ambry Variant Classification Scheme 2023. Collection method: clinical testing. Allele origin: germline.
Comment: The p.G788R variant (also known as c.2362G>C), located in coding exon 10 of the BRCA2 gene, results from a G to C substitution at nucleotide position 2362. The glycine at codon 788 is replaced by arginine, an amino acid with dissimilar properties. This amino acid position is not well conserved in available vertebrate species. In addition, this alteration is predicted to be tolerated by in silico analysis. Since supporting evidence is limited at this time, the clinical significance of this alteration remains unclear.